The following is an entry in ClinVar:

NM_201599.3(ZMYM3):c.145G>C (p.Gly49Arg)

Gene: ZMYM3 (zinc finger MYM-type containing 3; minus strand). Cytogenetic location: Xq13.1.
Variant type: single nucleotide variant.
Coding change: c.145G>C on transcript NM_201599.3 (MANE Select); coding-DNA position 145, G replaced by C.
Protein change: p.Gly49Arg; replaces glycine 49 with arginine.
Molecular consequence: missense variant.
Genome position (GRCh38, 1-based): chrX:71,253,111, C>G on the plus strand (G>C on the coding strand, the complement: ZMYM3 is on the minus strand). VCF-style: chrX-71253111-C-G. GRCh37 (hg19) VCF-style: chrX-70472961-C-G.
Other names: c.145G>C, p.Gly49Arg (NM_001171162.1, NM_001171163.1, NM_005096.3); short protein forms G49R.
Identifiers: ClinVar variation 2660869 (VCV002660869.24), dbSNP rs2519851412, ClinGen allele CA413530519.

ClinVar aggregate classification (germline): Uncertain significance (1 of 4 stars; one submission).

Submission:

CeGaT Center for Human Genetics Tuebingen
Classification: Uncertain significance. Last evaluated: 2023-10-01. Review status: criteria provided, single submitter. Criteria: CeGaT Center For Human Genetics Tuebingen Variant Classification Criteria Version 2. Collection method: clinical testing. Allele origin: germline. Affected: yes. Observed: 1 variant allele.
Comment: ZMYM3: PM2